The following is an entry in ClinVar:

NM_003011.4(SET):c.73+351A>T

Genes: SET (SET nuclear proto-oncogene; plus strand), LOC130002719 (ATAC-STARR-seq lymphoblastoid silent region 20348; plus strand). Cytogenetic location: 9q34.11.
Variant type: single nucleotide variant.
Coding change: c.73+351A>T on transcript NM_003011.4 (MANE Select); 351 bases into the intron after coding-DNA position 73, A replaced by T.
Molecular consequence: intron variant. On other transcripts: missense variant (1).
Genome position (GRCh38, 1-based): chr9:128,690,006, A>T. VCF-style: chr9-128690006-A-T. GRCh37 (hg19) VCF-style: chr9-131452285-A-T.
Other names: c.20A>T, p.Gln7Leu (NM_001248001.2); c.113-1164A>T (NM_001374326.1, NM_001122821.2); c.47-1164A>T (NM_001248000.2); short protein forms Q7L.
Identifiers: ClinVar variation 1031254 (VCV001031254.1), dbSNP rs1190048179, ClinGen allele CA375058753.

ClinVar aggregate classification (germline): Uncertain significance (1 of 4 stars; one submission).

Conditions:
Intellectual developmental disorder, autosomal dominant 58. Also called: MENTAL RETARDATION, AUTOSOMAL DOMINANT 58; Intellectual disability, autosomal dominant 58. Identifiers: MedGen C4748195, MONDO:0020847, OMIM 618106.

gnomAD v4.1: 6 of 1,032,468 alleles (0.00058%); highest among the groups gnomAD compares: Non-Finnish European, 0.0007%; no homozygotes.

Submission:

Baylor Genetics
Classification: Uncertain significance for Intellectual developmental disorder, autosomal dominant 58. Last evaluated: 2019-12-11. Review status: criteria provided, single submitter. Criteria: ACMG Guidelines, 2015. Collection method: clinical testing. Allele origin: unknown. Affected: yes.
Comment: This variant was determined to be of uncertain significance according to ACMG Guidelines, 2015 [PMID:25741868].